The following is an entry in ClinVar:

NM_005909.5(MAP1B):c.6581C>T (p.Thr2194Met)

Gene: MAP1B (microtubule associated protein 1B; plus strand). Cytogenetic location: 5q13.2.
Variant type: single nucleotide variant.
Coding change: c.6581C>T on transcript NM_005909.5 (MANE Select); coding-DNA position 6581, C replaced by T.
Protein change: p.Thr2194Met; replaces threonine 2194 with methionine.
Molecular consequence: missense variant.
Genome position (GRCh38, 1-based): chr5:72,199,936, C>T. VCF-style: chr5-72199936-C-T. GRCh37 (hg19) VCF-style: chr5-71495763-C-T.
Other names: c.6203C>T, p.Thr2068Met (NM_001324255.2); c.6581C>T (NM_005909.3); short protein forms T2068M, T2194M.
Identifiers: ClinVar variation 2632025 (VCV002632025.2), dbSNP rs746663170, ClinGen allele CA3299498.
Genomic context (GRCh38, chr5:72,199,936, plus strand): 5'-CCGATGCCAATATCGACTCTGAAGACGAGTCGGAAACCATCCCCACAGACAAAACTGTCA[C>T]GTACAAACACATGGACCCACCTCCAGCTCCCGTGCAAGACCGCAGCCCTTCGCCACGCCA-3'
Protein context (NP_005900.2, residues 2184-2204): SETIPTDKTV[Thr2194Met]YKHMDPPPAP

ClinVar aggregate classification (germline): Uncertain significance. Review status: criteria provided, multiple submitters, no conflicts (2 of 4 stars). 2 submissions from 2 submitters: Uncertain significance (2). Last evaluated 2025-01-17.

Conditions:
MAP1B-related disorder. Also called: MAP1B-related condition.
Inborn genetic diseases. Identifiers: MedGen C0950123, MeSH D030342.

Allele frequency attached by ClinVar (database versions not stated): ExAC 0.00001; gnomAD exomes 0.00001.
gnomAD v4.1: 15 of 1,614,072 alleles (0.00093%); highest among the groups gnomAD compares: South Asian, 0.0055%; 1 homozygote.

Submissions (2):

Ambry Genetics
Classification: Uncertain significance for Inborn genetic diseases. Last evaluated: 2025-01-17. Review status: criteria provided, single submitter. Criteria: Ambry Variant Classification Scheme 2023. Collection method: clinical testing. Allele origin: germline.

PreventionGenetics, part of Exact Sciences
Classification: Uncertain significance for MAP1B-related condition. Last evaluated: 2022-08-24. Review status: criteria provided, single submitter. Criteria: ACMG Guidelines, 2015. Collection method: clinical testing. Allele origin: germline.
Comment: The MAP1B c.6581C>T variant is predicted to result in the amino acid substitution p.Thr2194Met. To our knowledge, this variant has not been reported in the literature. This variant is reported in 0.0040% of alleles in individuals of African descent in gnomAD. At this time, the clinical significance of this variant is uncertain due to the absence of conclusive functional and genetic evidence.